The following is an entry in ClinVar:

NM_001029883.3(PCARE):c.1160A>C (p.His387Pro)

Gene: PCARE (photoreceptor cilium actin regulator; minus strand). Cytogenetic location: 2p23.2.
Variant type: single nucleotide variant.
Coding change: c.1160A>C on transcript NM_001029883.3 (MANE Select); coding-DNA position 1160, A replaced by C.
Protein change: p.His387Pro; replaces histidine 387 with proline.
Molecular consequence: missense variant.
Genome position (GRCh38, 1-based): chr2:29,073,102, T>G on the plus strand (A>C on the coding strand, the complement: PCARE is on the minus strand). VCF-style: chr2-29073102-T-G. GRCh37 (hg19) VCF-style: chr2-29295968-T-G.
Other names: short protein forms H387P.
Identifiers: ClinVar variation 1022889 (VCV001022889.10), dbSNP rs765379745, ClinGen allele CA1592484.

ClinVar aggregate classification (germline): Uncertain significance (1 of 4 stars; one submission).

Allele frequency attached by ClinVar (database versions not stated): gnomAD exomes below 0.00001; ExAC 0.00001.
gnomAD v4.1: 1 of 1,614,138 alleles (0.000062%); highest among the groups gnomAD compares: South Asian, 0.0011%; no homozygotes.

Submission:

Labcorp Genetics (formerly Invitae), Labcorp
Classification: Uncertain significance. Last evaluated: 2022-03-10. Review status: criteria provided, single submitter. Criteria: Invitae Variant Classification Sherloc (09022015). Collection method: clinical testing. Allele origin: germline.
Comment: In summary, the available evidence is currently insufficient to determine the role of this variant in disease. Therefore, it has been classified as a Variant of Uncertain Significance. Algorithms developed to predict the effect of missense changes on protein structure and function output the following: SIFT: "Tolerated"; PolyPhen-2: "Benign"; Align-GVGD: "Class C0". The proline amino acid residue is found in multiple mammalian species, which suggests that this missense change does not adversely affect protein function. ClinVar contains an entry for this variant (Variation ID: 1022889). This variant has not been reported in the literature in individuals affected with PCARE-related conditions. This variant is present in population databases (rs765379745, gnomAD 0.003%). This sequence change replaces histidine, which is basic and polar, with proline, which is neutral and non-polar, at codon 387 of the PCARE protein (p.His387Pro).